The following is an entry in ClinVar:

NM_001323289.2(CDKL5):c.863C>T (p.Thr288Ile)

Gene: CDKL5 (cyclin dependent kinase like 5; plus strand). Cytogenetic location: Xp22.13.
Variant type: single nucleotide variant.
Coding change: c.863C>T on transcript NM_001323289.2 (MANE Select); coding-DNA position 863, C replaced by T.
Protein change: p.Thr288Ile; replaces threonine 288 with isoleucine.
Molecular consequence: missense variant.
Genome position (GRCh38, 1-based): chrX:18,598,499, C>T. VCF-style: chrX-18598499-C-T. GRCh37 (hg19) VCF-style: chrX-18616619-C-T.
Other names: NM_001323289.2(CDKL5):c.863C>T; c.863C>T, p.Thr288Ile (NM_001037343.2, NM_003159.3); short protein forms T288I.
Identifiers: ClinVar variation 11504 (VCV000011504.15), dbSNP rs267606713, ClinGen allele CA121525.
Genomic context (GRCh38, chrX:18,598,499, plus strand): 5'-GATCCTAAATTTTATTTCCTAAGAATTTACTGAAGTTGGACCCAGCTGACAGATACTTGA[C>T]AGAACAGTGTTTGAATCACCCTACATTTCAAACCCAGAGACTTCTGGATCGTTCTCCTTC-3'
Protein context (NP_001310218.1, residues 278-298): LKLDPADRYL[Thr288Ile]EQCLNHPTFQ

ClinVar aggregate classification (germline): Conflicting classifications of pathogenicity. Review status: criteria provided, conflicting classifications (1 of 4 stars). 4 submissions from 4 submitters: Likely pathogenic (1); Uncertain significance (1). 2 of the submissions do not count toward it. Last evaluated 2025-05-01.

Conditions:
CDKL5 disorder. Identifiers: MedGen CN296942, MONDO:0100039.
Developmental and epileptic encephalopathy, 2 (DEE2). Also called: INFANTILE SPASM SYNDROME, X-LINKED 2; CDKL5 deficiency disorder. Identifiers: Orphanet 1934, Orphanet 3451, Orphanet 505652, MedGen C4750718, MONDO:0010396, OMIM 300672.

Submissions (4):

CeGaT Center for Human Genetics Tuebingen
Classification: Likely pathogenic. Last evaluated: 2025-05-01. Review status: criteria provided, single submitter. Criteria: CeGaT Center For Human Genetics Tuebingen Variant Classification Criteria Version 2. Collection method: clinical testing. Allele origin: germline. Affected: yes. Observed: 1 variant allele.
Comment: CDKL5: PM2, PS4:Moderate, PM6:Supporting, PP2

Centre for Population Genomics, CPG
Classification: Uncertain significance for CDKL5 disorder. Last evaluated: 2024-08-21. Review status: criteria provided, single submitter. Criteria: McKnight et al. (Hum Mutat. 2022). Collection method: curation. Allele origin: germline. Inheritance: X-linked inheritance.
Comment: This variant has been collected from RettBASE and curated to current modified ACMG/AMP criteria. Based on the classification scheme defined by the ClinGen Rett/Angelman-like Expert Panel for Rett/AS-like Disorders Specifications to the ACMG/AMP Variant Interpretation Guidelines VCEP 3.0, this variant is classified as a variant of uncertain significance. At least the following criteria are met: This variant has been identified as a de novo occurrence in an individual with CDKL5 disorder without confirmation of paternity and maternity (PM6). PMID: 18809835 At least one individual with this variant has been reported with a clinical phenotype consistent with CDKL5- related condition (PP4).PMID: 18809835 This variant is absent from gnomAD v4 (PM2_Supporting).

RettBASE
Classification: Pathogenic for Epileptic encephalopathy, early infantile, 2. Last evaluated: 2014-03-13. Review status: no assertion criteria provided. Collection method: curation. Allele origin: unknown. Affected: yes. Observed: 1 variant allele. Not counted in ClinVar's aggregate classification.
Comment: In silico prediction: SIFT = deleterious, MutationTaster = disease-causing, PolyPhen2 = possibly damaging, AlignGVGD = benign (C0)

OMIM
Classification: Pathogenic for DEVELOPMENTAL AND EPILEPTIC ENCEPHALOPATHY 2. Last evaluated: 2008-09-23. Review status: no assertion criteria provided. Collection method: literature only. Allele origin: germline. Not counted in ClinVar's aggregate classification.

Literature cited by the submitters: PubMed 18809835 (cited by RettBASE and OMIM).